The following is an entry in ClinVar:

ClinVar aggregate classification (germline): Uncertain significance (1 of 4 stars; one submission).

gnomAD v4.1: 4 of 1,613,646 alleles (0.00025%); highest among the groups gnomAD compares: Non-Finnish European, 0.00034%; no homozygotes.

Submission:

GeneDx
Classification: Uncertain significance. Last evaluated: 2023-10-18. Review status: criteria provided, single submitter. Criteria: GeneDx Variant Classification Process June 2021. Collection method: clinical testing. Allele origin: germline. Affected: yes.
Comment: Not observed at significant frequency in large population cohorts (gnomAD); In silico analysis supports that this missense variant does not alter protein structure/function; Has not been previously published as pathogenic or benign to our knowledge

NM_001035.3(RYR2):c.3634G>A (p.Val1212Met)

Gene: RYR2 (ryanodine receptor 2; plus strand). Cytogenetic location: 1q43.
Variant type: single nucleotide variant.
Coding change: c.3634G>A on transcript NM_001035.3 (MANE Select); coding-DNA position 3634, G replaced by A.
Protein change: p.Val1212Met; replaces valine 1212 with methionine.
Molecular consequence: missense variant.
Genome position (GRCh38, 1-based): chr1:237,589,828, G>A. VCF-style: chr1-237589828-G-A. GRCh37 (hg19) VCF-style: chr1-237753128-G-A.
Other names: short protein forms V1212M.
Identifiers: ClinVar variation 3366260 (VCV003366260.1).